The following is an entry in ClinVar:

NM_001134407.3(GRIN2A):c.2079C>G (p.Asn693Lys)

Gene: GRIN2A (glutamate ionotropic receptor NMDA type subunit 2A; minus strand). Cytogenetic location: 16p13.2.
Variant type: single nucleotide variant.
Coding change: c.2079C>G on transcript NM_001134407.3 (MANE Select); coding-DNA position 2079, C replaced by G.
Protein change: p.Asn693Lys; replaces asparagine 693 with lysine.
Molecular consequence: missense variant.
Genome position (GRCh38, 1-based): chr16:9,822,353, G>C on the plus strand (C>G on the coding strand, the complement: GRIN2A is on the minus strand). VCF-style: chr16-9822353-G-C. GRCh37 (hg19) VCF-style: chr16-9916210-G-C.
Other names: c.2079C>G, p.Asn693Lys (NM_000833.5, NM_001134408.2); short protein forms N693K.
Identifiers: ClinVar variation 2811707 (VCV002811707.3), dbSNP rs2506094595, ClinGen allele CA394797853.

ClinVar aggregate classification (germline): Pathogenic (1 of 4 stars; one submission).

Conditions:
Landau-Kleffner syndrome (FESD). Also called: EPILEPSY, FOCAL, WITH SPEECH DISORDER AND WITH OR WITHOUT MENTAL RETARDATION; APHASIA, ACQUIRED, WITH EPILEPSY. Identifiers: Orphanet 1945, Orphanet 725, Orphanet 98818, MedGen C0282512, MONDO:0009509, OMIM 245570.

Submission:

Labcorp Genetics (formerly Invitae), Labcorp
Classification: Pathogenic for Landau-Kleffner syndrome. Last evaluated: 2022-12-21. Review status: criteria provided, single submitter. Criteria: Invitae Variant Classification Sherloc (09022015). Collection method: clinical testing. Allele origin: germline.
Comment: For these reasons, this variant has been classified as Pathogenic. Advanced modeling of protein sequence and biophysical properties (such as structural, functional, and spatial information, amino acid conservation, physicochemical variation, residue mobility, and thermodynamic stability) performed at Invitae indicates that this missense variant is expected to disrupt GRIN2A protein function. This missense change has been observed in individual(s) with clinical features of GRIN2A-related conditions (Invitae). In at least one individual the variant was observed to be de novo. This variant is not present in population databases (gnomAD no frequency). This sequence change replaces asparagine, which is neutral and polar, with lysine, which is basic and polar, at codon 693 of the GRIN2A protein (p.Asn693Lys).